The following is an entry in ClinVar:

NM_000492.4(CFTR):c.2515A>C (p.Ser839Arg)

Gene: CFTR (CF transmembrane conductance regulator; plus strand). Cytogenetic location: 7q31.2.
Variant type: single nucleotide variant.
Coding change: c.2515A>C on transcript NM_000492.4 (MANE Select); coding-DNA position 2515, A replaced by C.
Protein change: p.Ser839Arg; replaces serine 839 with arginine.
Molecular consequence: missense variant.
Genome position (GRCh38, 1-based): chr7:117,594,954, A>C. VCF-style: chr7-117594954-A-C. GRCh37 (hg19) VCF-style: chr7-117235008-A-C.
Other names: short protein forms S839R.
Identifiers: ClinVar variation 1522932 (VCV001522932.8), dbSNP rs2116039371, ClinGen allele CA368983865.

ClinVar aggregate classification (germline): Uncertain significance (1 of 4 stars; one submission).

Conditions:
Cystic fibrosis (CF). Also called: MUCOVISCIDOSIS. Identifiers: Orphanet 586, MedGen C0010674, MONDO:0009061, OMIM 219700. Disease mechanism: loss of function.

Submission:

Labcorp Genetics (formerly Invitae), Labcorp
Classification: Uncertain significance for Cystic fibrosis. Last evaluated: 2021-06-30. Review status: criteria provided, single submitter. Criteria: Invitae Variant Classification Sherloc (09022015). Collection method: clinical testing. Allele origin: germline.
Comment: This sequence change replaces serine with arginine at codon 839 of the CFTR protein (p.Ser839Arg). The serine residue is weakly conserved and there is a moderate physicochemical difference between serine and arginine. This variant is not present in population databases (ExAC no frequency). This variant has not been reported in the literature in individuals affected with CFTR-related conditions. Algorithms developed to predict the effect of missense changes on protein structure and function (SIFT, PolyPhen-2, Align-GVGD) all suggest that this variant is likely to be tolerated. In summary, the available evidence is currently insufficient to determine the role of this variant in disease. Therefore, it has been classified as a Variant of Uncertain Significance.